The following is an entry in ClinVar:

ClinVar aggregate classification (germline): Uncertain significance. Review status: criteria provided, multiple submitters, no conflicts (2 of 4 stars). 2 submissions from 2 submitters: Uncertain significance (2). Last evaluated 2026-09-13.

Conditions:
Noonan syndrome 9 (NS9). Identifiers: Orphanet 648, MedGen C4225282, MONDO:0014691, OMIM 616559.
Cardiovascular phenotype. Identifiers: MedGen CN230736.

Allele frequency attached by ClinVar (database versions not stated): gnomAD 0.00001.
gnomAD v4.1: 4 of 1,614,022 alleles (0.00025%); highest among the groups gnomAD compares: South Asian, 0.0033%; no homozygotes.

Submissions (2):

Ambry Genetics
Classification: Uncertain significance for Cardiovascular phenotype. Last evaluated: 2026-09-13. Review status: criteria provided, single submitter. Criteria: Ambry Variant Classification Scheme 2023. Collection method: clinical testing. Allele origin: germline.
Comment: The p.R1070W variant (also known as c.3208C>T), located in coding exon 20 of the SOS2 gene, results from a C to T substitution at nucleotide position 3208. The arginine at codon 1070 is replaced by tryptophan, an amino acid with dissimilar properties. This amino acid position is conserved. In addition, the in silico prediction for this alteration is inconclusive. Based on the available evidence, the clinical significance of this variant remains unclear.

Labcorp Genetics (formerly Invitae), Labcorp
Classification: Uncertain significance for Noonan syndrome 9. Last evaluated: 2023-06-03. Review status: criteria provided, single submitter. Criteria: Invitae Variant Classification Sherloc (09022015). Collection method: clinical testing. Allele origin: germline.
Comment: Advanced modeling of protein sequence and biophysical properties (such as structural, functional, and spatial information, amino acid conservation, physicochemical variation, residue mobility, and thermodynamic stability) performed at Invitae indicates that this missense variant is not expected to disrupt SOS2 protein function. This sequence change replaces arginine, which is basic and polar, with tryptophan, which is neutral and slightly polar, at codon 1070 of the SOS2 protein (p.Arg1070Trp). This variant is present in population databases (no rsID available, gnomAD 0.003%). This variant has not been reported in the literature in individuals affected with SOS2-related conditions. In summary, the available evidence is currently insufficient to determine the role of this variant in disease. Therefore, it has been classified as a Variant of Uncertain Significance.

NM_006939.4(SOS2):c.3208C>T (p.Arg1070Trp)

Gene: SOS2 (SOS Ras/Rho guanine nucleotide exchange factor 2; minus strand). Cytogenetic location: 14q21.3.
Variant type: single nucleotide variant.
Coding change: c.3208C>T on transcript NM_006939.4 (MANE Select); coding-DNA position 3208, C replaced by T.
Protein change: p.Arg1070Trp; replaces arginine 1070 with tryptophan.
Molecular consequence: missense variant.
Genome position (GRCh38, 1-based): chr14:50,130,630, G>A on the plus strand (C>T on the coding strand, the complement: SOS2 is on the minus strand). VCF-style: chr14-50130630-G-A. GRCh37 (hg19) VCF-style: chr14-50597348-G-A.
Other names: c.3109C>T, p.Arg1037Trp (NM_001411020.1); c.3208C>T (NM_006939.2); short protein forms R1070W, R1037W.
Identifiers: ClinVar variation 2780761 (VCV002780761.4), dbSNP rs760192938, ClinGen allele CA260714096.
Genomic context (GRCh38, chr14:50,130,630, plus strand): 5'-ATGGTGTATTTGGAGAGGTTGGTGCTGACACTGTTGATTCCAGCTCAGTTTCAGCAATCC[G>A]ACTAAAGCTTATTTTACATGGTTCTCTTTCTAATGGTGTTGGGTGACCTCGTAAAGTACC-3'
Protein context (NP_008870.2, residues 1060-1080): EREPCKISFS[Arg1070Trp]IAETELESTV